The following is an entry in ClinVar:

NM_001201543.2(FAM161A):c.1012C>T (p.Arg338Trp)

Gene: FAM161A (FAM161 centrosomal protein A; minus strand). Cytogenetic location: 2p15.
Variant type: single nucleotide variant.
Coding change: c.1012C>T on transcript NM_001201543.2 (MANE Select); coding-DNA position 1012, C replaced by T.
Protein change: p.Arg338Trp; replaces arginine 338 with tryptophan.
Molecular consequence: missense variant. On other transcripts: non-coding transcript variant (1).
Genome position (GRCh38, 1-based): chr2:61,839,992, G>A on the plus strand (C>T on the coding strand, the complement: FAM161A is on the minus strand). VCF-style: chr2-61839992-G-A. GRCh37 (hg19) VCF-style: chr2-62067127-G-A.
Other names: c.1012C>T (NM_001201543.1); c.1012C>T, p.Arg338Trp (NM_032180.3); short protein forms R338W.
Identifiers: ClinVar variation 1025064 (VCV001025064.7), dbSNP rs1382874045, ClinGen allele CA346987625.

ClinVar aggregate classification (germline): Uncertain significance. Review status: criteria provided, multiple submitters, no conflicts (2 of 4 stars). 4 submissions from 4 submitters: Uncertain significance (3). 1 of the submissions does not count toward it. Last evaluated 2025-09-08.

Conditions:
Retinitis pigmentosa 28 (RP28). Identifiers: Orphanet 791, MedGen C1419614, MONDO:0011630, OMIM 606068.
Inborn genetic diseases. Identifiers: MedGen C0950123, MeSH D030342.

Allele frequency attached by ClinVar (database versions not stated): gnomAD exomes below 0.00001; gnomAD 0.00001; TOPMed 0.00001.
gnomAD v4.1: 4 of 1,613,890 alleles (0.00025%); highest among the groups gnomAD compares: East Asian, 0.0022%; no homozygotes.

Submissions (4):

Labcorp Genetics (formerly Invitae), Labcorp
Classification: Uncertain significance. Last evaluated: 2025-09-08. Review status: criteria provided, single submitter. Criteria: Invitae Variant Classification Sherloc (09022015). Collection method: clinical testing. Allele origin: germline.
Comment: This sequence change replaces arginine, which is basic and polar, with tryptophan, which is neutral and slightly polar, at codon 338 of the FAM161A protein (p.Arg338Trp). This variant is present in population databases (no rsID available, gnomAD 0.006%). This variant has not been reported in the literature in individuals affected with FAM161A-related conditions. ClinVar contains an entry for this variant (Variation ID: 1025064). Invitae Evidence Modeling of protein sequence and biophysical properties (such as structural, functional, and spatial information, amino acid conservation, physicochemical variation, residue mobility, and thermodynamic stability) indicates that this missense variant is expected to disrupt FAM161A protein function with a positive predictive value of 80%. In summary, the available evidence is currently insufficient to determine the role of this variant in disease. Therefore, it has been classified as a Variant of Uncertain Significance.

Ambry Genetics
Classification: Uncertain significance for Inborn genetic diseases. Last evaluated: 2024-07-02. Review status: criteria provided, single submitter. Criteria: Ambry Variant Classification Scheme 2023. Collection method: clinical testing. Allele origin: germline.

Blueprint Genetics
Classification: Uncertain significance. Last evaluated: 2022-04-28. Review status: criteria provided, single submitter. Criteria: ACMG Guidelines, 2015. Collection method: clinical testing. Allele origin: germline.

Natera, Inc.
Classification: Uncertain significance for Retinitis pigmentosa type 28. Last evaluated: 2020-10-06. Review status: no assertion criteria provided. Collection method: clinical testing. Allele origin: germline. Not counted in ClinVar's aggregate classification.